The following is an entry in ClinVar:

NM_001243279.3(ACSF3):c.909C>G (p.Tyr303Ter)

Gene: ACSF3 (acyl-CoA synthetase family member 3; plus strand). Cytogenetic location: 16q24.3.
Variant type: single nucleotide variant.
Coding change: c.909C>G on transcript NM_001243279.3 (MANE Select); coding-DNA position 909, C replaced by G.
Protein change: p.Tyr303Ter; replaces tyrosine 303 with a stop codon.
Molecular consequence: nonsense. On other transcripts: non-coding transcript variant (3).
Genome position (GRCh38, 1-based): chr16:89,112,178, C>G. VCF-style: chr16-89112178-C-G. GRCh37 (hg19) VCF-style: chr16-89178586-C-G.
Other names: c.909C>G, p.Tyr303Ter (NM_001127214.4, NM_174917.5); c.114C>G, p.Tyr38Ter (NM_001284316.2); short protein forms Y303*, Y38*.
Identifiers: ClinVar variation 2680538 (VCV002680538.6), dbSNP rs1446221617, ClinGen allele CA397139265.

ClinVar aggregate classification (germline): Pathogenic/Likely pathogenic. Review status: criteria provided, multiple submitters, no conflicts (2 of 4 stars). 3 submissions from 3 submitters: Pathogenic (1); Likely pathogenic (2). Last evaluated 2024-03-25.

Conditions:
Combined malonic and methylmalonic acidemia. Identifiers: Orphanet 289504, MedGen C3280314, MONDO:0013661, OMIM 614265.

Allele frequency attached by ClinVar (database versions not stated): TOPMed below 0.00001; gnomAD exomes 0.00001.
gnomAD v4.1: 11 of 1,614,222 alleles (0.00068%); highest among the groups gnomAD compares: African/African-American, 0.0013%; no homozygotes.

Submissions (3):

Baylor Genetics
Classification: Likely pathogenic for Combined malonic and methylmalonic acidemia. Last evaluated: 2024-03-25. Review status: criteria provided, single submitter. Criteria: ACMG Guidelines, 2015. Collection method: clinical testing. Allele origin: unknown.

Fulgent Genetics
Classification: Likely pathogenic for Combined malonic and methylmalonic acidemia. Last evaluated: 2024-01-30. Review status: criteria provided, single submitter. Criteria: ACMG Guidelines, 2015. Collection method: clinical testing. Allele origin: germline.

Labcorp Genetics (formerly Invitae), Labcorp
Classification: Pathogenic for Combined malonic and methylmalonic acidemia. Last evaluated: 2023-06-14. Review status: criteria provided, single submitter. Criteria: Invitae Variant Classification Sherloc (09022015). Collection method: clinical testing. Allele origin: germline.
Comment: This sequence change creates a premature translational stop signal (p.Tyr303*) in the ACSF3 gene. It is expected to result in an absent or disrupted protein product. Loss-of-function variants in ACSF3 are known to be pathogenic (PMID: 21841779, 26827111). This variant is present in population databases (no rsID available, gnomAD 0.0009%). This variant has not been reported in the literature in individuals affected with ACSF3-related conditions. For these reasons, this variant has been classified as Pathogenic.

Literature cited by the submitters: PubMed 21841779 (cited by Labcorp Genetics (formerly Invitae), Labcorp); PubMed 26827111 (cited by Labcorp Genetics (formerly Invitae), Labcorp).